The following is an entry in ClinVar:

NM_001190274.2(FBXO11):c.92C>A (p.Pro31Gln)

Genes: FBXO11 (F-box protein 11; minus strand), LOC100506235 (uncharacterized LOC100506235; plus strand). Cytogenetic location: 2p16.3.
Variant type: single nucleotide variant.
Coding change: c.92C>A on transcript NM_001190274.2 (MANE Select); coding-DNA position 92, C replaced by A.
Protein change: p.Pro31Gln; replaces proline 31 with glutamine.
Molecular consequence: missense variant. On other transcripts: non-coding transcript variant (1).
Genome position (GRCh38, 1-based): chr2:47,905,629, G>T on the plus strand (C>A on the coding strand, the complement: FBXO11 is on the minus strand). VCF-style: chr2-47905629-G-T. GRCh37 (hg19) VCF-style: chr2-48132768-G-T.
Other names: short protein forms P31Q.
Identifiers: ClinVar variation 2971103 (VCV002971103.5), dbSNP rs1678749303, ClinGen allele CA346812840.
Genomic context (GRCh38, chr2:47,905,629, plus strand): 5'-TGCTGCGGCGGCGGCGGAGGCTGCTGCTGGGGCGGCTGCTGCTGGGGCGGCTGCGGCGGC[G>T]GCTGCTGCGGGGGCTGCTGCTGCTGTTGCTGCACCGGGCGCGGCCGCGACACTCGCCTGG-3'
Protein context (NP_001177203.1, residues 21-41): QQQQQQPPQQ[Pro31Gln]PPQPPQQQPP

ClinVar aggregate classification (germline): Uncertain significance. Review status: criteria provided, multiple submitters, no conflicts (2 of 4 stars). 2 submissions from 2 submitters: Uncertain significance (2). Last evaluated 2025-11-27.

Conditions:
Intellectual developmental disorder with dysmorphic facies and behavioral abnormalities. Identifiers: MedGen C4748135, MONDO:0060760, OMIM 618089.

Submissions (2):

Dasa
Classification: Uncertain significance for Intellectual developmental disorder with dysmorphic facies and behavioral abnormalities. Last evaluated: 2025-11-27. Review status: criteria provided, single submitter. Criteria: DASA Assertion Criteria. Collection method: clinical testing. Allele origin: germline.
Comment: NM_001190274.2(FBXO11):c.92C>A (p.Pro31Gln) is a missense variant that results in the substitution of proline with glutamine. This variant is rare in population databases. Computational prediction algorithms are consistent with a benign effect. The currently available literature and clinical evidence are not sufficient to establish a definitive association between this variant and the reported condition. Therefore, this variant is classified as a variant of uncertain significance.

Labcorp Genetics (formerly Invitae), Labcorp
Classification: Uncertain significance. Last evaluated: 2024-11-24. Review status: criteria provided, single submitter. Criteria: Invitae Variant Classification Sherloc (09022015). Collection method: clinical testing. Allele origin: germline.
Comment: This sequence change replaces proline, which is neutral and non-polar, with glutamine, which is neutral and polar, at codon 31 of the FBXO11 protein (p.Pro31Gln). This variant is not present in population databases (gnomAD no frequency). This variant has not been reported in the literature in individuals affected with FBXO11-related conditions. ClinVar contains an entry for this variant (Variation ID: 2971103). An algorithm developed to predict the effect of missense changes on protein structure and function outputs the following: PolyPhen-2: "Not Available". The glutamine amino acid residue is found in multiple mammalian species, which suggests that this missense change does not adversely affect protein function. In summary, the available evidence is currently insufficient to determine the role of this variant in disease. Therefore, it has been classified as a Variant of Uncertain Significance.